The following is an entry in ClinVar:

ClinVar aggregate classification (germline): Likely benign (1 of 4 stars; one submission).

Allele frequency attached by ClinVar (database versions not stated): gnomAD exomes below 0.00001; gnomAD 0.00001.
gnomAD v4.1: 2 of 1,612,170 alleles (0.00012%); highest among the groups gnomAD compares: Admixed American, 0.0017%; no homozygotes.

Submission:

GeneDx
Classification: Likely benign. Last evaluated: 2017-07-25. Review status: criteria provided, single submitter. Criteria: GeneDx Variant Classification (06012015). Collection method: clinical testing. Allele origin: germline. Affected: yes.
Comment: This variant is considered likely benign or benign based on one or more of the following criteria: it is a conservative change, it occurs at a poorly conserved position in the protein, it is predicted to be benign by multiple in silico algorithms, and/or has population frequency not consistent with disease.

NM_000642.3(AGL):c.1062A>G (p.Leu354=)

Gene: AGL (amylo-alpha-1,6-glucosidase and 4-alpha-glucanotransferase; plus strand). Cytogenetic location: 1p21.2.
Variant type: single nucleotide variant.
Coding change: c.1062A>G on transcript NM_000642.3 (MANE Select); coding-DNA position 1062, A replaced by G.
Protein change: p.Leu354=; no amino-acid change (leucine 354 retained).
Molecular consequence: synonymous variant.
Genome position (GRCh38, 1-based): chr1:99,874,790, A>G. VCF-style: chr1-99874790-A-G. GRCh37 (hg19) VCF-style: chr1-100340346-A-G.
Other names: c.1062A>G, p.Leu354= (NM_000028.3, NM_000643.3, NM_000644.3 and 3 more transcripts); c.1014A>G, p.Leu338= (NM_000646.3); c.858A>G, p.Leu286= (NM_001425328.1, NM_001425329.1); c.684A>G, p.Leu228= (NM_001425332.1).
Identifiers: ClinVar variation 510738 (VCV000510738.1), dbSNP rs1165052196, ClinGen allele CA419096686.
Genomic context (GRCh38, chr1:99,874,790, plus strand): 5'-GATTATTCAAGATCCTGAATACAGACGGTTTGGCTGTACTGTAGATATGAACATTGCACT[A>G]ACGACTTTCATACCACATGAGTATGTAATGTGTTTTTTTCTGTGAAATAATAATATTACT-3'
Protein context (NP_000633.2, residues 344-364): FGCTVDMNIA[Leu354=]TTFIPHDKGP